The following is an entry in ClinVar:

NM_003737.4(DCHS1):c.9509G>C (p.Cys3170Ser)

Gene: DCHS1 (dachsous cadherin-related 1; minus strand). Cytogenetic location: 11p15.4.
Variant type: single nucleotide variant.
Coding change: c.9509G>C on transcript NM_003737.4 (MANE Select); coding-DNA position 9509, G replaced by C.
Protein change: p.Cys3170Ser; replaces cysteine 3170 with serine.
Molecular consequence: missense variant.
Genome position (GRCh38, 1-based): chr11:6,622,167, C>G on the plus strand (G>C on the coding strand, the complement: DCHS1 is on the minus strand). VCF-style: chr11-6622167-C-G. GRCh37 (hg19) VCF-style: chr11-6643398-C-G.
Other names: short protein forms C3170S.
Identifiers: ClinVar variation 2091161 (VCV002091161.4), dbSNP rs770139460, ClinGen allele CA217328998.

ClinVar aggregate classification (germline): Uncertain significance (1 of 4 stars; one submission).

Allele frequency attached by ClinVar (database versions not stated): TOPMed 0.00001; gnomAD 0.00002.
gnomAD v4.1: 3 of 1,610,750 alleles (0.00019%); highest among the groups gnomAD compares: African/African-American, 0.004%; no homozygotes.

Submission:

Labcorp Genetics (formerly Invitae), Labcorp
Classification: Uncertain significance. Last evaluated: 2022-11-08. Review status: criteria provided, single submitter. Criteria: Invitae Variant Classification Sherloc (09022015). Collection method: clinical testing. Allele origin: germline.
Comment: Advanced modeling of protein sequence and biophysical properties (such as structural, functional, and spatial information, amino acid conservation, physicochemical variation, residue mobility, and thermodynamic stability) performed at Invitae indicates that this missense variant is not expected to disrupt DCHS1 protein function. In summary, the available evidence is currently insufficient to determine the role of this variant in disease. Therefore, it has been classified as a Variant of Uncertain Significance. This variant has not been reported in the literature in individuals affected with DCHS1-related conditions. This variant is not present in population databases (gnomAD no frequency). This sequence change replaces cysteine, which is neutral and slightly polar, with serine, which is neutral and polar, at codon 3170 of the DCHS1 protein (p.Cys3170Ser).